The following is an entry in ClinVar:

ClinVar aggregate classification (germline): Uncertain significance (1 of 4 stars; one submission).

gnomAD v4.1: 1 of 1,573,458 alleles (0.000064%); highest among the groups gnomAD compares: East Asian, 0.0024%; no homozygotes.

Submission:

Labcorp Genetics (formerly Invitae), Labcorp
Classification: Uncertain significance. Last evaluated: 2023-05-23. Review status: criteria provided, single submitter. Criteria: Invitae Variant Classification Sherloc (09022015). Collection method: clinical testing. Allele origin: germline.
Comment: In summary, the available evidence is currently insufficient to determine the role of this variant in disease. Therefore, it has been classified as a Variant of Uncertain Significance. Experimental studies and prediction algorithms are not available or were not evaluated, and the functional significance of this variant is currently unknown. This variant has not been reported in the literature in individuals affected with ERCC6L2-related conditions. This variant is not present in population databases (gnomAD no frequency). This sequence change affects the initiator methionine of the ERCC6L2 mRNA. The next in-frame methionine is located at codon 12.

NM_020207.7(ERCC6L2):c.-32T>G

Gene: ERCC6L2 (ERCC excision repair 6 like 2; plus strand). Cytogenetic location: 9q22.32.
Variant type: single nucleotide variant.
Coding change: c.-32T>G on transcript NM_020207.7 (MANE Select); 32 bases upstream of the start codon, T replaced by G.
Molecular consequence: 5 prime UTR variant. On other transcripts: non-coding transcript variant (1).
Genome position (GRCh38, 1-based): chr9:95,876,007, T>G. VCF-style: chr9-95876007-T-G. GRCh37 (hg19) VCF-style: chr9-98638289-T-G.
Other names: c.-32T>G (NM_001010895.4, NM_001375291.1, NM_001375292.1 and 2 more transcripts).
Identifiers: ClinVar variation 2848626 (VCV002848626.2), dbSNP rs10986795, ClinGen allele CA374115231.